The following is an entry in ClinVar:

ClinVar aggregate classification (germline): Uncertain significance (1 of 4 stars; one submission).

gnomAD v4.1: 3 of 1,614,190 alleles (0.00019%); highest among the groups gnomAD compares: Non-Finnish European, 0.000085%; no homozygotes.

Submission:

GeneDx
Classification: Uncertain significance. Last evaluated: 2022-08-18. Review status: criteria provided, single submitter. Criteria: GeneDx Variant Classification Process June 2021. Collection method: clinical testing. Allele origin: germline. Affected: yes.
Comment: In silico analysis supports that this missense variant has a deleterious effect on protein structure/function; Has not been previously published as pathogenic or benign to our knowledge

NM_144772.3(NAXE):c.473G>A (p.Cys158Tyr)

Gene: NAXE (NAD(P)HX epimerase; plus strand). Cytogenetic location: 1q22.
Variant type: single nucleotide variant.
Coding change: c.473G>A on transcript NM_144772.3 (MANE Select); coding-DNA position 473, G replaced by A.
Protein change: p.Cys158Tyr; replaces cysteine 158 with tyrosine.
Molecular consequence: missense variant.
Genome position (GRCh38, 1-based): chr1:156,592,627, G>A. VCF-style: chr1-156592627-G-A. GRCh37 (hg19) VCF-style: chr1-156562419-G-A.
Other names: short protein forms C158Y.
Identifiers: ClinVar variation 2430548 (VCV002430548.1), dbSNP rs149086062, ClinGen allele CA342873728.